The following is an entry in ClinVar:

NM_003200.5(TCF3):c.1525T>A (p.Ser509Thr)

Gene: TCF3 (transcription factor 3; minus strand). Cytogenetic location: 19p13.3.
Variant type: single nucleotide variant.
Coding change: c.1525T>A on transcript NM_003200.5 (MANE Select); coding-DNA position 1525, T replaced by A.
Protein change: p.Ser509Thr; replaces serine 509 with threonine.
Molecular consequence: missense variant.
Genome position (GRCh38, 1-based): chr19:1,615,747, A>T on the plus strand (T>A on the coding strand, the complement: TCF3 is on the minus strand). VCF-style: chr19-1615747-A-T. GRCh37 (hg19) VCF-style: chr19-1615746-A-T.
Other names: c.1525T>A, p.Ser509Thr (NM_001136139.4, NM_001351779.2); c.1522T>A, p.Ser508Thr (NM_001351778.2); short protein forms S509T, S508T.
Identifiers: ClinVar variation 1492757 (VCV001492757.6), dbSNP rs2145866995, ClinGen allele CA403051608.

ClinVar aggregate classification (germline): Uncertain significance (1 of 4 stars; one submission).

Submission:

Labcorp Genetics (formerly Invitae), Labcorp
Classification: Uncertain significance. Last evaluated: 2024-11-04. Review status: criteria provided, single submitter. Criteria: Invitae Variant Classification Sherloc (09022015). Collection method: clinical testing. Allele origin: germline.
Comment: This sequence change replaces serine, which is neutral and polar, with threonine, which is neutral and polar, at codon 509 of the TCF3 protein (p.Ser509Thr). This variant is not present in population databases (gnomAD no frequency). This variant has not been reported in the literature in individuals affected with TCF3-related conditions. ClinVar contains an entry for this variant (Variation ID: 1492757). Invitae Evidence Modeling of protein sequence and biophysical properties (such as structural, functional, and spatial information, amino acid conservation, physicochemical variation, residue mobility, and thermodynamic stability) indicates that this missense variant is not expected to disrupt TCF3 protein function with a negative predictive value of 80%. In summary, the available evidence is currently insufficient to determine the role of this variant in disease. Therefore, it has been classified as a Variant of Uncertain Significance.